The following is an entry in ClinVar:

ClinVar aggregate classification (germline): Uncertain significance. Review status: criteria provided, multiple submitters, no conflicts (2 of 4 stars). 2 submissions from 2 submitters: Uncertain significance (2). Last evaluated 2023-05-28.

Conditions:
Hereditary cancer-predisposing syndrome. Also called: Neoplastic Syndromes, Hereditary; Hereditary Cancer Syndrome; Hereditary neoplastic syndrome; Tumor predisposition. Identifiers: Orphanet 140162, MedGen C0027672, MeSH D009386, MONDO:0015356.

Allele frequency attached by ClinVar (database versions not stated): gnomAD exomes below 0.00001.
gnomAD v4.1: 1 of 1,614,196 alleles (0.000062%); highest among the groups gnomAD compares: Non-Finnish European, 0.000085%; no homozygotes.

Submissions (2):

Ambry Genetics
Classification: Uncertain significance for Hereditary cancer-predisposing syndrome. Last evaluated: 2023-05-28. Review status: criteria provided, single submitter. Criteria: Ambry Variant Classification Scheme 2023. Collection method: clinical testing. Allele origin: germline.
Comment: The p.V523A variant (also known as c.1568T>C), located in coding exon 11 of the CTNNA1 gene, results from a T to C substitution at nucleotide position 1568. The valine at codon 523 is replaced by alanine, an amino acid with similar properties. This amino acid position is conserved. In addition, the in silico prediction for this alteration is inconclusive. Since supporting evidence is limited at this time, the clinical significance of this alteration remains unclear.

Labcorp Genetics (formerly Invitae), Labcorp
Classification: Uncertain significance. Last evaluated: 2022-11-09. Review status: criteria provided, single submitter. Criteria: Invitae Variant Classification Sherloc (09022015). Collection method: clinical testing. Allele origin: germline.
Comment: In summary, the available evidence is currently insufficient to determine the role of this variant in disease. Therefore, it has been classified as a Variant of Uncertain Significance. Advanced modeling of protein sequence and biophysical properties (such as structural, functional, and spatial information, amino acid conservation, physicochemical variation, residue mobility, and thermodynamic stability) performed at Invitae indicates that this missense variant is not expected to disrupt CTNNA1 protein function. This variant has not been reported in the literature in individuals affected with CTNNA1-related conditions. This variant is not present in population databases (gnomAD no frequency). This sequence change replaces valine, which is neutral and non-polar, with alanine, which is neutral and non-polar, at codon 523 of the CTNNA1 protein (p.Val523Ala).

NM_001903.5(CTNNA1):c.1568T>C (p.Val523Ala)

Gene: CTNNA1 (catenin alpha 1; plus strand). Cytogenetic location: 5q31.2.
Variant type: single nucleotide variant.
Coding change: c.1568T>C on transcript NM_001903.5 (MANE Select); coding-DNA position 1568, T replaced by C.
Protein change: p.Val523Ala; replaces valine 523 with alanine.
Molecular consequence: missense variant.
Genome position (GRCh38, 1-based): chr5:138,924,531, T>C. VCF-style: chr5-138924531-T-C. GRCh37 (hg19) VCF-style: chr5-138260220-T-C.
Other names: c.1259T>C, p.Val420Ala (NM_001290309.3); c.1199T>C, p.Val400Ala (NM_001290310.3); c.1568T>C, p.Val523Ala (NM_001323985.2, NM_001323982.2, NM_001323983.1 and 2 more transcripts); c.1475T>C, p.Val492Ala (NM_001323986.2); c.458T>C, p.Val153Ala (NM_001290312.1, NM_001323987.1, NM_001323988.1 and 17 more transcripts); c.119T>C, p.Val40Ala (NM_001324006.1, NM_001324007.1, NM_001324008.1 and 2 more transcripts); c.365T>C, p.Val122Ala (NM_001324011.1); c.215T>C, p.Val72Ala (NM_001324012.1, NM_001324013.1); short protein forms V40A, V420A, V492A, V122A, V400A, V523A, V72A, V153A.
Identifiers: ClinVar variation 2563287 (VCV002563287.5), dbSNP rs2533707286, ClinGen allele CA361131723.